The following is an entry in ClinVar:

ClinVar aggregate classification (germline): Uncertain significance. Review status: criteria provided, multiple submitters, no conflicts (2 of 4 stars). 3 submissions from 3 submitters: Uncertain significance (3). Last evaluated 2025-08-20.

Conditions:
Tuberous sclerosis 1 (TSC1). Identifiers: Orphanet 805, MedGen C1854465, MONDO:0008612, OMIM 191100.
Hereditary cancer-predisposing syndrome. Also called: Tumor predisposition; Hereditary neoplastic syndrome; Hereditary Cancer Syndrome; Neoplastic Syndromes, Hereditary. Identifiers: Orphanet 140162, MedGen C0027672, MeSH D009386, MONDO:0015356.
Lymphangiomyomatosis (LAM). Also called: Lymphangioleiomyomatosis; Lymphangioleiomyomatosis, somatic. Identifiers: Orphanet 538, MedGen C0751674, MONDO:0011705, OMIM 606690.
Isolated focal cortical dysplasia type II (FCORD2). Also called: CORTICAL DYSPLASIA OF TAYLOR; Focal cortical dysplasia type II. Identifiers: Orphanet 268994, MedGen C1846385, MONDO:0011818, OMIM 607341, HP:0032051.

Allele frequency attached by ClinVar (database versions not stated): gnomAD exomes below 0.00001; TOPMed below 0.00001.
gnomAD v4.1: 1 of 1,614,118 alleles (0.000062%); highest among the groups gnomAD compares: Non-Finnish European, 0.000085%; no homozygotes.

Submissions (3):

Labcorp Genetics (formerly Invitae), Labcorp
Classification: Uncertain significance for Tuberous sclerosis 1. Last evaluated: 2025-08-20. Review status: criteria provided, single submitter. Criteria: Invitae Variant Classification Sherloc (09022015). Collection method: clinical testing. Allele origin: germline.
Comment: This sequence change replaces alanine, which is neutral and non-polar, with valine, which is neutral and non-polar, at codon 988 of the TSC1 protein (p.Ala988Val). This variant is not present in population databases (gnomAD no frequency). This variant has not been reported in the literature in individuals affected with TSC1-related conditions. ClinVar contains an entry for this variant (Variation ID: 1450150). Invitae Evidence Modeling of protein sequence and biophysical properties (such as structural, functional, and spatial information, amino acid conservation, physicochemical variation, residue mobility, and thermodynamic stability) indicates that this missense variant is not expected to disrupt TSC1 protein function with a negative predictive value of 95%. In summary, the available evidence is currently insufficient to determine the role of this variant in disease. Therefore, it has been classified as a Variant of Uncertain Significance.

Ambry Genetics
Classification: Uncertain significance for Hereditary cancer-predisposing syndrome. Last evaluated: 2025-04-11. Review status: criteria provided, single submitter. Criteria: Ambry Variant Classification Scheme 2023. Collection method: clinical testing. Allele origin: germline.

Fulgent Genetics
Classification: Uncertain significance for Tuberous sclerosis 1; Lymphangiomyomatosis; Isolated focal cortical dysplasia type II. Last evaluated: 2024-03-27. Review status: criteria provided, single submitter. Criteria: ACMG Guidelines, 2015. Collection method: clinical testing. Allele origin: germline.

NM_000368.5(TSC1):c.2963C>T (p.Ala988Val)

Gene: TSC1 (TSC complex subunit 1; minus strand). Cytogenetic location: 9q34.13.
Variant type: single nucleotide variant.
Coding change: c.2963C>T on transcript NM_000368.5 (MANE Select); coding-DNA position 2963, C replaced by T.
Protein change: p.Ala988Val; replaces alanine 988 with valine.
Molecular consequence: missense variant.
Genome position (GRCh38, 1-based): chr9:132,897,196, G>A on the plus strand (C>T on the coding strand, the complement: TSC1 is on the minus strand). VCF-style: chr9-132897196-G-A. GRCh37 (hg19) VCF-style: chr9-135772583-G-A.
Other names: c.2963C>T (NM_000368.4); c.2960C>T, p.Ala987Val (NM_001162426.2); c.2810C>T, p.Ala937Val (NM_001162427.2); c.2600C>T, p.Ala867Val (NM_001362177.2); short protein forms A867V, A937V, A988V, A987V.
Identifiers: ClinVar variation 1450150 (VCV001450150.11), dbSNP rs1239372124, ClinGen allele CA375368245.
Genomic context (GRCh38, chr9:132,897,196, plus strand): 5'-GAATTGGCAGCTTAGTCCCAAGGTCATGAATCAGTTCTTTGTTCCTACCTTTCTTCTGCT[G>A]CTTCAGCTGCTTCTGCTTTTTCTTCTTCAAGTTTTTTCAGGAGGCCATCTTTCTCCAACC-3'
Protein context (NP_000359.1, residues 978-998): LEEEKAEAAE[Ala988Val]AEERLDCCND